The following is an entry in ClinVar:

NC_000010.10:g.(?_112590799)_(112595736_?)del

Gene: RBM20 (RNA binding motif protein 20; plus strand). Cytogenetic location: 10q25.2.
Variant type: Deletion.
Identifiers: ClinVar variation 3244896 (VCV003244896.1).

ClinVar aggregate classification (germline): Uncertain significance (1 of 4 stars; one submission).

Conditions:
Dilated cardiomyopathy 1DD (CMD1DD). Identifiers: Orphanet 154, MedGen C2750995, MONDO:0013168, OMIM 613172.

Submission:

Labcorp Genetics (formerly Invitae), Labcorp
Classification: Uncertain significance for Dilated cardiomyopathy 1DD. Last evaluated: 2023-10-28. Review status: criteria provided, single submitter. Criteria: Invitae Variant Classification Sherloc (09022015). Collection method: clinical testing. Allele origin: unknown.
Comment: This variant is a gross deletion of the genomic region encompassing exon(s) 13-14 of the RBM20 gene, which includes the termination codon. This deletion extends beyond the assayed region for this gene and therefore may encompass additional genes. While this deletion is not anticipated to lead to nonsense mediated decay, it is expected to alter mRNA translation or result in a truncated protein product. This variant has not been reported in the literature in individuals affected with RBM20-related conditions. In summary, the available evidence is currently insufficient to determine the role of this variant in disease. Therefore, it has been classified as a Variant of Uncertain Significance.